The following is an entry in ClinVar:

ClinVar aggregate classification (germline): Likely benign (0 of 4 stars; one submission).

Conditions:
CAPS-related disorder. Also called: CAPS-related condition.

Allele frequency attached by ClinVar (database versions not stated): TOPMed 0.00017; ExAC 0.00008.

Submission:

PreventionGenetics, part of Exact Sciences
Classification: Likely benign for CAPS-related condition. Last evaluated: 2019-07-12. Review status: no assertion criteria provided. Collection method: clinical testing. Allele origin: germline.
Comment: This variant is classified as likely benign based on ACMG/AMP sequence variant interpretation guidelines (Richards et al. 2015 PMID: 25741868, with internal and published modifications).

NM_004058.4(CAPS):c.54G>A (p.Leu18=)

Gene: CAPS (calcyphosine; plus strand). Cytogenetic location: 19p13.3.
Variant type: single nucleotide variant.
Coding change: c.54G>A on transcript NM_004058.4; coding-DNA position 54, G replaced by A.
Protein change: p.Leu18=; no amino-acid change (leucine 18 retained).
Genome position (GRCh38, 1-based): chr19:5,914,127, G>A. VCF-style: chr19-5914127-G-A. GRCh37 (hg19) VCF-style: chr19-5914138-G-A.
Identifiers: ClinVar variation 3043112 (VCV003043112.2), dbSNP rs61743888, ClinGen allele CA9119231.